The following is an entry in ClinVar:

NM_001322934.2(NFKB2):c.669G>A (p.Pro223=)

Genes: NFKB2 (nuclear factor kappa B subunit 2; plus strand), LOC121815964 (Sharpr-MPRA regulatory region 13585; plus strand). Cytogenetic location: 10q24.32.
Variant type: single nucleotide variant.
Coding change: c.669G>A on transcript NM_001322934.2 (MANE Select); coding-DNA position 669, G replaced by A.
Protein change: p.Pro223=; no amino-acid change (proline 223 retained).
Molecular consequence: synonymous variant.
Genome position (GRCh38, 1-based): chr10:102,397,988, G>A. VCF-style: chr10-102397988-G-A. GRCh37 (hg19) VCF-style: chr10-104157745-G-A.
Other names: c.669G>A, p.Pro223= (NM_001077494.3, NM_001261403.3, NM_001288724.1 and 2 more transcripts).
Identifiers: ClinVar variation 741246 (VCV000741246.12), dbSNP rs748619086, ClinGen allele CA5664627.

ClinVar aggregate classification (germline): Likely benign. Review status: criteria provided, multiple submitters, no conflicts (2 of 4 stars). 3 submissions from 3 submitters: Likely benign (2). 1 of the submissions does not count toward it. Last evaluated 2024-11-26.

Conditions:
NFKB2-related disorder. Also called: NFKB2-related condition.
Immunodeficiency, common variable, 10. Also called: DEFICIT IN ANTERIOR PITUITARY FUNCTION AND VARIABLE IMMUNODEFICIENCY; IMMUNODEFICIENCY, COMMON VARIABLE, WITH CENTRAL ADRENAL INSUFFICIENCY. Identifiers: MedGen C3809991, MONDO:0014260, OMIM 615577.

Allele frequency attached by ClinVar (database versions not stated): TOPMed 0.00002; gnomAD 0.00003 and 0.00004.

Submissions (3):

Blueprint Genetics
Classification: Likely benign. Last evaluated: 2024-11-26. Review status: criteria provided, single submitter. Criteria: ACMG Guidelines, 2015. Collection method: clinical testing. Allele origin: germline.

Labcorp Genetics (formerly Invitae), Labcorp
Classification: Likely benign for Immunodeficiency, common variable, 10. Last evaluated: 2024-08-28. Review status: criteria provided, single submitter. Criteria: Invitae Variant Classification Sherloc (09022015). Collection method: clinical testing. Allele origin: germline.

PreventionGenetics, part of Exact Sciences
Classification: Likely benign for NFKB2-related condition. Last evaluated: 2019-02-19. Review status: no assertion criteria provided. Collection method: clinical testing. Allele origin: germline. Not counted in ClinVar's aggregate classification.
Comment: This variant is classified as likely benign based on ACMG/AMP sequence variant interpretation guidelines (Richards et al. 2015 PMID: 25741868, with internal and published modifications).